The following is an entry in ClinVar:

NM_003839.4(TNFRSF11A):c.426G>A (p.Pro142=)

Gene: TNFRSF11A (TNF receptor superfamily member 11a; plus strand). Cytogenetic location: 18q21.33.
Variant type: single nucleotide variant.
Coding change: c.426G>A on transcript NM_003839.4 (MANE Select); coding-DNA position 426, G replaced by A.
Protein change: p.Pro142=; no amino-acid change (proline 142 retained).
Molecular consequence: synonymous variant.
Genome position (GRCh38, 1-based): chr18:62,354,533, G>A. VCF-style: chr18-62354533-G-A. GRCh37 (hg19) VCF-style: chr18-60021766-G-A.
Other names: c.426G>A, p.Pro142= (NM_001270949.2, NM_001270950.2, NM_001270951.2 and 1 more transcripts).
Identifiers: ClinVar variation 1478873 (VCV001478873.6), dbSNP rs139968917, ClinGen allele CA8983724.

ClinVar aggregate classification (germline): Uncertain significance (1 of 4 stars; one submission).

gnomAD v4.1: 21 of 1,602,652 alleles (0.0013%); highest among the groups gnomAD compares: East Asian, 0.036%; no homozygotes.

Submission:

Labcorp Genetics (formerly Invitae), Labcorp
Classification: Uncertain significance. Last evaluated: 2023-12-17. Review status: criteria provided, single submitter. Criteria: Invitae Variant Classification Sherloc (09022015). Collection method: clinical testing. Allele origin: germline.
Comment: This sequence change affects codon 142 of the TNFRSF11A mRNA. It is a 'silent' change, meaning that it does not change the encoded amino acid sequence of the TNFRSF11A protein. It affects a nucleotide within the consensus splice site. This variant is present in population databases (rs139968917, gnomAD 0.08%). This variant has not been reported in the literature in individuals affected with TNFRSF11A-related conditions. ClinVar contains an entry for this variant (Variation ID: 1478873). Algorithms developed to predict the effect of sequence changes on RNA splicing suggest that this variant is not likely to affect RNA splicing. In summary, the available evidence is currently insufficient to determine the role of this variant in disease. Therefore, it has been classified as a Variant of Uncertain Significance.